The following is an entry in ClinVar:

NM_001004416.3(UMODL1):c.2517C>T (p.Asp839=)

Gene: UMODL1 (uromodulin like 1; plus strand). Cytogenetic location: 21q22.3.
Variant type: single nucleotide variant.
Coding change: c.2517C>T on transcript NM_001004416.3 (MANE Select); coding-DNA position 2517, C replaced by T.
Protein change: p.Asp839=; no amino-acid change (aspartic acid 839 retained).
Molecular consequence: synonymous variant.
Genome position (GRCh38, 1-based): chr21:42,119,152, C>T. VCF-style: chr21-42119152-C-T. GRCh37 (hg19) VCF-style: chr21-43539262-C-T.
Other names: c.2685C>T, p.Asp895= (NM_001199527.3); c.2301C>T, p.Asp767= (NM_001199528.4); c.2901C>T, p.Asp967= (NM_173568.4).
Identifiers: ClinVar variation 2652702 (VCV002652702.24), dbSNP rs140280465, ClinGen allele CA10040157.

ClinVar aggregate classification (germline): Likely benign (1 of 4 stars; one submission).

Allele frequency attached by ClinVar (database versions not stated): 1000 Genomes Project 30x 0.00109; 1000 Genomes Project 0.00120; ESP Exome Variant Server 0.00140; gnomAD 0.00147; TOPMed 0.00162.

Submission:

CeGaT Center for Human Genetics Tuebingen
Classification: Likely benign. Last evaluated: 2023-12-01. Review status: criteria provided, single submitter. Criteria: CeGaT Center For Human Genetics Tuebingen Variant Classification Criteria Version 2. Collection method: clinical testing. Allele origin: germline. Affected: yes. Observed: 2 variant alleles.
Comment: UMODL1: BP4, BP7